The following is an entry in ClinVar:

ClinVar aggregate classification (germline): Uncertain significance (1 of 4 stars; one submission).

Conditions:
Myofibrillar myopathy 5. Also called: FILAMINOPATHY, AUTOSOMAL DOMINANT; Filaminopathy (type). Identifiers: Orphanet 171445, MedGen C1836050, MONDO:0012289, OMIM 609524.
Hypertrophic cardiomyopathy 26. Also called: Cardiomyopathy, familial hypertrophic, 26. Identifiers: Orphanet 75249, MedGen C4310749, MONDO:0014883, OMIM 617047.
Distal myopathy with posterior leg and anterior hand involvement. Also called: WILLIAMS DISTAL MYOPATHY. Identifiers: Orphanet 63273, MedGen C3279722, MONDO:0013550, OMIM 614065.

Submission:

Labcorp Genetics (formerly Invitae), Labcorp
Classification: Uncertain significance for Distal myopathy with posterior leg and anterior hand involvement; Myofibrillar myopathy 5; Hypertrophic cardiomyopathy 26. Last evaluated: 2024-07-30. Review status: criteria provided, single submitter. Criteria: Invitae Variant Classification Sherloc (09022015). Collection method: clinical testing. Allele origin: germline.
Comment: This sequence change replaces tryptophan, which is neutral and slightly polar, with cysteine, which is neutral and slightly polar, at codon 631 of the FLNC protein (p.Trp631Cys). This variant is not present in population databases (gnomAD no frequency). This variant has not been reported in the literature in individuals affected with FLNC-related conditions. ClinVar contains an entry for this variant (Variation ID: 947923). Advanced modeling of protein sequence and biophysical properties (such as structural, functional, and spatial information, amino acid conservation, physicochemical variation, residue mobility, and thermodynamic stability) has been performed at Invitae for this missense variant, however the output from this modeling did not meet the statistical confidence thresholds required to predict the impact of this variant on FLNC protein function. In summary, the available evidence is currently insufficient to determine the role of this variant in disease. Therefore, it has been classified as a Variant of Uncertain Significance.

NM_001458.5(FLNC):c.1893G>C (p.Trp631Cys)

Gene: FLNC (filamin C; plus strand). Cytogenetic location: 7q32.1.
Variant type: single nucleotide variant.
Coding change: c.1893G>C on transcript NM_001458.5 (MANE Select); coding-DNA position 1893, G replaced by C.
Protein change: p.Trp631Cys; replaces tryptophan 631 with cysteine.
Molecular consequence: missense variant.
Genome position (GRCh38, 1-based): chr7:128,841,249, G>C. VCF-style: chr7-128841249-G-C. GRCh37 (hg19) VCF-style: chr7-128481303-G-C.
Other names: c.1893G>C, p.Trp631Cys (NM_001127487.2); short protein forms W631C.
Identifiers: ClinVar variation 947923 (VCV000947923.10), dbSNP rs1808320936, ClinGen allele CA369227305.